The following is an entry in ClinVar:

ClinVar aggregate classification (germline): Uncertain significance. Review status: criteria provided, multiple submitters, no conflicts (2 of 4 stars). 3 submissions from 3 submitters: Uncertain significance (3). Last evaluated 2025-11-22.

Conditions:
Hereditary cancer-predisposing syndrome. Also called: Neoplastic Syndromes, Hereditary; Tumor predisposition; Hereditary Cancer Syndrome; Hereditary neoplastic syndrome. Identifiers: Orphanet 140162, MedGen C0027672, MeSH D009386, MONDO:0015356.
Familial cancer of breast. Also called: BREAST CANCER, FAMILIAL; Hereditary breast cancer; hereditary breast carcinoma. Identifiers: Orphanet 227535, MedGen C0346153, MONDO:0016419, OMIM 114480. Disease mechanism: loss of function.

Allele frequency attached by ClinVar (database versions not stated): gnomAD exomes below 0.00001.
gnomAD v4.1: 1 of 1,593,612 alleles (0.000063%); highest among the groups gnomAD compares: Non-Finnish European, 0.000086%; no homozygotes.

Submissions (3):

Ambry Genetics
Classification: Uncertain significance for Hereditary cancer-predisposing syndrome. Last evaluated: 2025-11-22. Review status: criteria provided, single submitter. Criteria: Ambry Variant Classification Scheme 2023. Collection method: clinical testing. Allele origin: germline.
Comment: The p.Y220H variant (also known as c.658T>C), located in coding exon 4 of the CHEK2 gene, results from a T to C substitution at nucleotide position 658. The tyrosine at codon 220 is replaced by histidine, an amino acid with similar properties. This amino acid position is highly conserved in available vertebrate species. In addition, the in silico prediction for this alteration is inconclusive. Since supporting evidence is limited at this time, the clinical significance of this alteration remains unclear.

Labcorp Genetics (formerly Invitae), Labcorp
Classification: Uncertain significance for Familial cancer of breast. Last evaluated: 2025-06-02. Review status: criteria provided, single submitter. Criteria: Invitae Variant Classification Sherloc (09022015). Collection method: clinical testing. Allele origin: germline.
Comment: This sequence change replaces tyrosine, which is neutral and polar, with histidine, which is basic and polar, at codon 220 of the CHEK2 protein (p.Tyr220His). This variant is not present in population databases (gnomAD no frequency). This variant has not been reported in the literature in individuals affected with CHEK2-related conditions. ClinVar contains an entry for this variant (Variation ID: 481714). An algorithm developed to predict the effect of missense changes on protein structure and function (PolyPhen-2) suggests that this variant is likely to be disruptive. In summary, the available evidence is currently insufficient to determine the role of this variant in disease. Therefore, it has been classified as a Variant of Uncertain Significance.

Quest Diagnostics Nichols Institute San Juan Capistrano
Classification: Uncertain significance. Last evaluated: 2022-10-17. Review status: criteria provided, single submitter. Criteria: Quest Diagnostics criteria. Collection method: clinical testing. Allele origin: unknown.
Comment: The variant has not been reported in the published literature. It also has not been reported in large, multi-ethnic general populations. Analysis of this variant using bioinformatics tools for the prediction of the effect of amino acid changes on protein structure and function yielded predictions that this variant is damaging. Based on the available information, we are unable to determine the clinical significance of this variant.

NM_007194.4(CHEK2):c.658T>C (p.Tyr220His)

Gene: CHEK2 (checkpoint kinase 2; minus strand). Cytogenetic location: 22q12.1.
Variant type: single nucleotide variant.
Coding change: c.658T>C on transcript NM_007194.4 (MANE Select); coding-DNA position 658, T replaced by C.
Protein change: p.Tyr220His; replaces tyrosine 220 with histidine.
Molecular consequence: missense variant. On other transcripts: 5 prime UTR variant (2), intron variant (1).
Genome position (GRCh38, 1-based): chr22:28,719,420, A>G on the plus strand (T>C on the coding strand, the complement: CHEK2 is on the minus strand). VCF-style: chr22-28719420-A-G. GRCh37 (hg19) VCF-style: chr22-29115408-A-G.
Other names: c.787T>C, p.Tyr263His (NM_001005735.3, NM_001438294.1); c.-6T>C (NM_001257387.3, NM_001437942.1); c.751T>C, p.Tyr251His (NM_001438293.1, NM_001438295.1); c.658T>C, p.Tyr220His (NM_145862.3); c.482+5466T>C (NM_001349956.3); short protein forms Y220H, Y263H, Y251H.
Identifiers: ClinVar variation 481714 (VCV000481714.18), dbSNP rs1555924429, ClinGen allele CA411104928.